The following is an entry in ClinVar:

ClinVar aggregate classification (germline): Conflicting classifications of pathogenicity. Review status: criteria provided, conflicting classifications (1 of 4 stars). 3 submissions from 3 submitters: Uncertain significance (2); Likely benign (1). Last evaluated 2025-06-24.

Conditions:
Inborn genetic diseases. Identifiers: MedGen C0950123, MeSH D030342.

Allele frequency attached by ClinVar (database versions not stated): gnomAD exomes 0.00002 and 0.00001; ExAC 0.00002; gnomAD 0.00002 and 0.00001.
gnomAD v4.1: 15 of 1,614,092 alleles (0.00093%); highest among the groups gnomAD compares: African/African-American, 0.0013%; no homozygotes.

Submissions (3):

Labcorp Genetics (formerly Invitae), Labcorp
Classification: Likely benign. Last evaluated: 2025-06-24. Review status: criteria provided, single submitter. Criteria: Invitae Variant Classification Sherloc (09022015). Collection method: clinical testing. Allele origin: germline.

Ambry Genetics
Classification: Uncertain significance for Inborn genetic diseases. Last evaluated: 2025-03-30. Review status: criteria provided, single submitter. Criteria: Ambry Variant Classification Scheme 2023. Collection method: clinical testing. Allele origin: germline.

Genetic Services Laboratory, University of Chicago
Classification: Uncertain significance. Last evaluated: 2020-02-28. Review status: criteria provided, single submitter. Criteria: ACMG Guidelines, 2015. Collection method: clinical testing. Allele origin: germline. Affected: no.
Comment: DNA sequence analysis of the ARID1A gene demonstrated a sequence change, c.2512G>A, in exon 8 that results in an amino acid change, p.Gly838Arg. This sequence change does not appear to have been previously described in patients with ARID1A-related disorders and has been described in the gnomAD database in four individuals (dbSNP rs753334968). The p.Gly838Arg change affects a moderately conserved amino acid residue located in a domain of the ARID1A protein that is not known to be functional. In-silico pathogenicity prediction tools (SIFT, PolyPhen2, Align GVGD, REVEL) provide contradictory results for the p.Gly838Arg substitution. Due to these contrasting evidences and the lack of functional studies, the clinical significance of the p.Gly838Arg change remains unknown at this time.

NM_006015.6(ARID1A):c.2512G>A (p.Gly838Arg)

Gene: ARID1A (AT-rich interaction domain 1A; plus strand). Cytogenetic location: 1p36.11.
Variant type: single nucleotide variant.
Coding change: c.2512G>A on transcript NM_006015.6 (MANE Select); coding-DNA position 2512, G replaced by A.
Protein change: p.Gly838Arg; replaces glycine 838 with arginine.
Molecular consequence: missense variant.
Genome position (GRCh38, 1-based): chr1:26,763,065, G>A. VCF-style: chr1-26763065-G-A. GRCh37 (hg19) VCF-style: chr1-27089556-G-A.
Other names: c.2512G>A, p.Gly838Arg (NM_139135.4); short protein forms G838R.
Identifiers: ClinVar variation 1337548 (VCV001337548.8), dbSNP rs753334968, ClinGen allele CA707021.
Genomic context (GRCh38, chr1:26,763,065, plus strand): 5'-TTGCCCAATGCCAACTACCCCAGTGCAGGCATGGCTGGAGGCATAAACCCCATGGGTGCC[G>A]GAGGTCAAATGCATGGACAGCCTGGCATCCCACCTTATGGCACACTCCCTCCAGGGAGGA-3'
Protein context (NP_006006.3, residues 828-848): MAGGINPMGA[Gly838Arg]GQMHGQPGIP